The following is an entry in ClinVar:

ClinVar aggregate classification (germline): Uncertain significance (1 of 4 stars; one submission).

Allele frequency attached by ClinVar (database versions not stated): TOPMed below 0.00001.

Submission:

Labcorp Genetics (formerly Invitae), Labcorp
Classification: Uncertain significance. Last evaluated: 2022-07-05. Review status: criteria provided, single submitter. Criteria: Invitae Variant Classification Sherloc (09022015). Collection method: clinical testing. Allele origin: germline.
Comment: In summary, the available evidence is currently insufficient to determine the role of this variant in disease. Therefore, it has been classified as a Variant of Uncertain Significance. Algorithms developed to predict the effect of sequence changes on RNA splicing suggest that this variant may create or strengthen a splice site. Algorithms developed to predict the effect of missense changes on protein structure and function (SIFT, PolyPhen-2, Align-GVGD) all suggest that this variant is likely to be disruptive. ClinVar contains an entry for this variant (Variation ID: 1427569). This variant has not been reported in the literature in individuals affected with ERCC3-related conditions. This variant is not present in population databases (gnomAD no frequency). This sequence change replaces arginine, which is basic and polar, with glycine, which is neutral and non-polar, at codon 334 of the ERCC3 protein (p.Arg334Gly).

NM_000122.2(ERCC3):c.1000C>G (p.Arg334Gly)

Gene: ERCC3 (ERCC excision repair 3, TFIIH core complex helicase subunit; minus strand). Cytogenetic location: 2q14.3.
Variant type: single nucleotide variant.
Coding change: c.1000C>G on transcript NM_000122.2 (MANE Select); coding-DNA position 1000, C replaced by G.
Protein change: p.Arg334Gly; replaces arginine 334 with glycine.
Molecular consequence: missense variant.
Genome position (GRCh38, 1-based): chr2:127,288,687, G>C on the plus strand (C>G on the coding strand, the complement: ERCC3 is on the minus strand). VCF-style: chr2-127288687-G-C. GRCh37 (hg19) VCF-style: chr2-128046263-G-C.
Other names: c.808C>G, p.Arg270Gly (NM_001303416.2, NM_001303418.2); short protein forms R334G, R270G.
Identifiers: ClinVar variation 1427569 (VCV001427569.8), dbSNP rs1308398082, ClinGen allele CA348390220.